The following is an entry in ClinVar:

ClinVar aggregate classification (germline): Uncertain significance (1 of 4 stars; one submission).

Submission:

GeneDx
Classification: Uncertain significance. Last evaluated: 2026-04-07. Review status: criteria provided, single submitter. Criteria: GeneDx Variant Classification Process June 2021. Collection method: clinical testing. Allele origin: germline.
Comment: Not observed at significant frequency in large population cohorts (gnomAD); In silico analysis suggests that this variant does not alter splicing; Has not been previously published as pathogenic or benign to our knowledge

NM_201384.3(PLEC):c.8472G>C (p.Val2824=)

Gene: PLEC (plectin; minus strand). Cytogenetic location: 8q24.3.
Variant type: single nucleotide variant.
Coding change: c.8472G>C on transcript NM_201384.3 (MANE Select); coding-DNA position 8472, G replaced by C.
Protein change: p.Val2824=; no amino-acid change (valine 2824 retained).
Molecular consequence: synonymous variant.
Genome position (GRCh38, 1-based): chr8:143,921,349, C>G on the plus strand (G>C on the coding strand, the complement: PLEC is on the minus strand). VCF-style: chr8-143921349-C-G. GRCh37 (hg19) VCF-style: chr8-144995517-C-G.
Other names: c.8553G>C, p.Val2851= (NM_000445.5); c.5172G>C, p.Val1724= (NM_001410941.1); c.8430G>C, p.Val2810= (NM_201378.4); c.8406G>C, p.Val2802= (NM_201379.3); c.8883G>C, p.Val2961= (NM_201380.4); c.8376G>C, p.Val2792= (NM_201381.3); c.8472G>C, p.Val2824= (NM_201382.4); c.8484G>C, p.Val2828= (NM_201383.3).
Identifiers: ClinVar variation 5017176 (VCV005017176.1).
Genomic context (GRCh38, chr8:143,921,349, plus strand): 5'-CGCCAGGACGCGGTTCATCTCCTCGTCGAAGTAGCCGCGCCGGTAGGCCACGTCCACGGG[C>G]ACGCGGTGGCTGTGCACGGGGTCGATAACGCCGCCCGTGGCGATCTGGGCCTCCAGCAGG-3'
Protein context (NP_958786.1, residues 2814-2834): GVIDPVHSHR[Val2824=]PVDVAYRRGY